The following is an entry in ClinVar:

NM_001160372.4(TRAPPC9):c.2811-1G>A

Gene: TRAPPC9 (trafficking protein particle complex subunit 9; minus strand). Cytogenetic location: 8q24.3.
Variant type: single nucleotide variant.
Coding change: c.2811-1G>A on transcript NM_001160372.4 (MANE Select); the canonical splice acceptor site of the intron before coding-DNA position 2811, G replaced by A.
Molecular consequence: splice acceptor variant.
Genome position (GRCh38, 1-based): chr8:139,910,301, C>T on the plus strand (G>A on the coding strand, the complement: TRAPPC9 is on the minus strand). VCF-style: chr8-139910301-C-T. GRCh37 (hg19) VCF-style: chr8-140922545-C-T.
Other names: c.2811-1G>A (NM_031466.8); c.2784-1G>A (NM_001321646.2); c.2667-1G>A (NM_001374684.1); c.2700-1G>A (NM_001374683.1); c.2832-1G>A (NM_001374682.1).
Identifiers: ClinVar variation 422471 (VCV000422471.4), dbSNP rs1064795801, ClinGen allele CA16618604.

ClinVar aggregate classification (germline): Likely pathogenic. Review status: criteria provided, multiple submitters, no conflicts (2 of 4 stars). 2 submissions from 2 submitters: Likely pathogenic (2). Last evaluated 2021-06-21.

Conditions:
TRAPPC9-related disorder. Also called: TRAPPC9-related condition.

Allele frequency attached by ClinVar (database versions not stated): gnomAD exomes below 0.00001; TOPMed below 0.00001; gnomAD 0.00001.
gnomAD v4.1: 2 of 1,614,048 alleles (0.00012%); highest among the groups gnomAD compares: Non-Finnish European, 0.00017%; no homozygotes.

Submissions (2):

Blueprint Genetics
Classification: Likely pathogenic for TRAPPC9-related disorders. Last evaluated: 2021-06-21. Review status: criteria provided, single submitter. Criteria: ACMG Guidelines, 2015. Collection method: clinical testing. Allele origin: germline. Affected: yes. Observed: 1 variant allele.

GeneDx
Classification: Likely pathogenic. Last evaluated: 2020-10-26. Review status: criteria provided, single submitter. Criteria: GeneDx Variant Classification Process June 2021. Collection method: clinical testing. Allele origin: germline. Affected: yes.
Comment: Canonical splice site variant predicted to result in a null allele in a gene for which loss-of-function is a known mechanism of disease; Not observed in large population cohorts (Lek et al., 2016); Has not been previously published as pathogenic or benign to our knowledge